The following is an entry in ClinVar:

ClinVar aggregate classification (germline): Uncertain significance (1 of 4 stars; one submission).

Conditions:
Familial adenomatous polyposis 1 (FAP1). Also called: POLYPOSIS, ADENOMATOUS INTESTINAL; FAMILIAL ADENOMATOUS POLYPOSIS 1, ATTENUATED. Identifiers: MedGen C2713442, MONDO:0021056, OMIM 175100. Disease mechanism: loss of function.

Submission:

Labcorp Genetics (formerly Invitae), Labcorp
Classification: Uncertain significance for Familial adenomatous polyposis 1. Last evaluated: 2018-08-15. Review status: criteria provided, single submitter. Criteria: Invitae Variant Classification Sherloc (09022015). Collection method: clinical testing. Allele origin: germline.
Comment: This sequence change replaces cysteine with serine at codon 1727 of the APC protein (p.Cys1727Ser). The cysteine residue is highly conserved and there is a moderate physicochemical difference between cysteine and serine. This variant is not present in population databases (ExAC no frequency). This variant has not been reported in the literature in individuals with APC-related disease. Algorithms developed to predict the effect of missense changes on protein structure and function are either unavailable or do not agree on the potential impact of this missense change (SIFT: "Deleterious"; PolyPhen-2: "Probably Damaging"; Align-GVGD: "Class C0"). In summary, the available evidence is currently insufficient to determine the role of this variant in disease. Therefore, it has been classified as a Variant of Uncertain Significance.

NM_000038.6(APC):c.5179T>A (p.Cys1727Ser)

Gene: APC (APC regulator of Wnt signaling pathway; plus strand). Cytogenetic location: 5q22.2.
Variant type: single nucleotide variant.
Coding change: c.5179T>A on transcript NM_000038.6 (MANE Select); coding-DNA position 5179, T replaced by A.
Protein change: p.Cys1727Ser; replaces cysteine 1727 with serine.
Molecular consequence: missense variant.
Genome position (GRCh38, 1-based): chr5:112,840,773, T>A. VCF-style: chr5-112840773-T-A. GRCh37 (hg19) VCF-style: chr5-112176470-T-A.
Other names: c.5179T>A, p.Cys1727Ser (NM_001127510.3, NM_001354895.2); c.5125T>A, p.Cys1709Ser (NM_001127511.3); c.5233T>A, p.Cys1745Ser (NM_001354896.2); c.5209T>A, p.Cys1737Ser (NM_001354897.2); c.5104T>A, p.Cys1702Ser (NM_001354898.2); c.5095T>A, p.Cys1699Ser (NM_001354899.2); c.5056T>A, p.Cys1686Ser (NM_001354900.2); c.5002T>A, p.Cys1668Ser (NM_001354901.2); and 5 more; short protein forms C1601S, C1636S, C1709S, C1444S, C1626S, C1737S, C1745S, C1686S.
Identifiers: ClinVar variation 664879 (VCV000664879.10), dbSNP rs758815860, ClinGen allele CA16032650.